The following is an entry in ClinVar:

NM_001024383.2(NAV3):c.4367G>T (p.Gly1456Val)

Gene: NAV3 (neuron navigator 3; plus strand). Cytogenetic location: 12q21.2.
Variant type: single nucleotide variant.
Coding change: c.4367G>T on transcript NM_001024383.2 (MANE Select); coding-DNA position 4367, G replaced by T.
Protein change: p.Gly1456Val; replaces glycine 1456 with valine.
Molecular consequence: missense variant.
Genome position (GRCh38, 1-based): chr12:78,128,792, G>T. VCF-style: chr12-78128792-G-T. GRCh37 (hg19) VCF-style: chr12-78522572-G-T.
Other names: c.2825G>T, p.Gly942Val (NM_001438019.1); c.4367G>T, p.Gly1456Val (NM_014903.6); short protein forms G1456V, G942V.
Identifiers: ClinVar variation 4756049 (VCV004756049.1).

ClinVar aggregate classification (germline): Uncertain significance (1 of 4 stars; one submission).

Submission:

GeneDx
Classification: Uncertain significance. Last evaluated: 2025-08-09. Review status: criteria provided, single submitter. Criteria: GeneDx Variant Classification Process June 2021. Collection method: clinical testing. Allele origin: germline. Affected: yes.
Comment: Not observed at significant frequency in large population cohorts (gnomAD); In silico analysis supports that this missense variant has a deleterious effect on protein structure/function; Has not been previously published as pathogenic or benign to our knowledge